The following is an entry in ClinVar:

NM_019098.5(CNGB3):c.28A>G (p.Lys10Glu)

Gene: CNGB3 (cyclic nucleotide gated channel subunit beta 3; minus strand). Cytogenetic location: 8q21.3.
Variant type: single nucleotide variant.
Coding change: c.28A>G on transcript NM_019098.5 (MANE Select); coding-DNA position 28, A replaced by G.
Protein change: p.Lys10Glu; replaces lysine 10 with glutamic acid.
Molecular consequence: missense variant.
Genome position (GRCh38, 1-based): chr8:86,743,600, T>C on the plus strand (A>G on the coding strand, the complement: CNGB3 is on the minus strand). VCF-style: chr8-86743600-T-C. GRCh37 (hg19) VCF-style: chr8-87755828-T-C.
Other names: short protein forms K10E.
Identifiers: ClinVar variation 1975934 (VCV001975934.5), dbSNP rs2538196114, ClinGen allele CA371452887.
Genomic context (GRCh38, chr8:86,743,600, plus strand): 5'-CTTCTTCATTCCGACGAGAACTTTGTTCATTCTCATTGTTCTCTCCTATAGGCTTCACCT[T>C]GTTGACTTTTGTCAGCGATTTAAACATCTTCTCTGAGGTGGTTCTGAAAACCCTCTGTAT-3'
Protein context (NP_061971.3, residues 1-20): MFKSLTKVN[Lys10Glu]VKPIGENNEN

ClinVar aggregate classification (germline): Uncertain significance (1 of 4 stars; one submission).

Submission:

Labcorp Genetics (formerly Invitae), Labcorp
Classification: Uncertain significance. Last evaluated: 2022-04-04. Review status: criteria provided, single submitter. Criteria: Invitae Variant Classification Sherloc (09022015). Collection method: clinical testing. Allele origin: germline.
Comment: This variant has not been reported in the literature in individuals affected with CNGB3-related conditions. This variant is not present in population databases (gnomAD no frequency). This sequence change replaces lysine, which is basic and polar, with glutamic acid, which is acidic and polar, at codon 10 of the CNGB3 protein (p.Lys10Glu). In summary, the available evidence is currently insufficient to determine the role of this variant in disease. Therefore, it has been classified as a Variant of Uncertain Significance. Advanced modeling of protein sequence and biophysical properties (such as structural, functional, and spatial information, amino acid conservation, physicochemical variation, residue mobility, and thermodynamic stability) performed at Invitae indicates that this missense variant is not expected to disrupt CNGB3 protein function.